The following is an entry in ClinVar:

NM_177972.3(TUB):c.1437C>A (p.Thr479=)

Genes: RIC3 (RIC3 acetylcholine receptor chaperone; minus strand), TUB (TUB bipartite transcription factor; plus strand). Cytogenetic location: 11p15.4.
Variant type: single nucleotide variant.
Coding change: c.1437C>A on transcript NM_177972.3 (MANE Select); coding-DNA position 1437, C replaced by A.
Protein change: p.Thr479=; no amino-acid change (threonine 479 retained).
Molecular consequence: synonymous variant.
Genome position (GRCh38, 1-based): chr11:8,101,535, C>A. VCF-style: chr11-8101535-C-A. GRCh37 (hg19) VCF-style: chr11-8123082-C-A.
Other names: c.1602C>A, p.Thr534= (NM_003320.5); c.1602C>A (NM_003320.4).
Identifiers: ClinVar variation 1624575 (VCV001624575.11), dbSNP rs780444298, ClinGen allele CA5871518.

ClinVar aggregate classification (germline): Likely benign. Review status: criteria provided, multiple submitters, no conflicts (2 of 4 stars). 3 submissions from 3 submitters: Likely benign (2). 1 of the submissions does not count toward it. Last evaluated 2022-12-18.

Conditions:
TUB-related disorder. Also called: TUB-related condition.

Allele frequency attached by ClinVar (database versions not stated): TOPMed below 0.00001; ExAC 0.00002; gnomAD exomes 0.00002 and 0.00004.
gnomAD v4.1: 9 of 1,614,240 alleles (0.00056%); highest among the groups gnomAD compares: Admixed American, 0.015%; no homozygotes.

Submissions (3):

Labcorp Genetics (formerly Invitae), Labcorp
Classification: Likely benign. Last evaluated: 2022-12-18. Review status: criteria provided, single submitter. Criteria: Invitae Variant Classification Sherloc (09022015). Collection method: clinical testing. Allele origin: germline.

Blueprint Genetics
Classification: Likely benign. Last evaluated: 2022-10-07. Review status: criteria provided, single submitter. Criteria: ACMG Guidelines, 2015. Collection method: clinical testing. Allele origin: germline.

PreventionGenetics, part of Exact Sciences
Classification: Likely benign for TUB-related condition. Last evaluated: 2023-09-26. Review status: no assertion criteria provided. Collection method: clinical testing. Allele origin: germline. Not counted in ClinVar's aggregate classification.
Comment: This variant is classified as likely benign based on ACMG/AMP sequence variant interpretation guidelines (Richards et al. 2015 PMID: 25741868, with internal and published modifications).